The following is an entry in ClinVar:

ClinVar aggregate classification (germline): Benign. Review status: criteria provided, multiple submitters, no conflicts (2 of 4 stars). 2 submissions from 2 submitters: Benign (2). Last evaluated 2018-06-14.

Allele frequency attached by ClinVar (database versions not stated): TOPMed 0.14017; 1000 Genomes Project 0.20168; gnomAD exomes 0.18599; 1000 Genomes Project 30x 0.19004; gnomAD 0.13928 and 0.14556.
gnomAD v4.1: 90,189 of 517,960 alleles (17%); highest among the groups gnomAD compares: East Asian, 52%; 10,182 homozygotes.

Submissions (2):

GeneDx
Classification: Benign. Last evaluated: 2018-06-14. Review status: criteria provided, single submitter. Criteria: GeneDx Variant Classification (06012015). Collection method: clinical testing. Allele origin: germline. Affected: yes.
Comment: This variant is considered likely benign or benign based on one or more of the following criteria: it is a conservative change, it occurs at a poorly conserved position in the protein, it is predicted to be benign by multiple in silico algorithms, and/or has population frequency not consistent with disease.

Breakthrough Genomics
Classification: Benign. Review status: criteria provided, single submitter. Criteria: ACMG Guidelines, 2015. Collection method: not provided. Allele origin: germline. Inheritance: Autosomal recessive inheritance. Affected: yes.

NM_182476.3(COQ6):c.481+212T>C

Genes: COQ6 (coenzyme Q6, monooxygenase; plus strand), ENTPD5 (ectonucleoside triphosphate diphosphohydrolase 5; minus strand). Cytogenetic location: 14q24.3.
Variant type: single nucleotide variant.
Coding change: c.481+212T>C on transcript NM_182476.3 (MANE Select); 212 bases into the intron after coding-DNA position 481, T replaced by C.
Molecular consequence: intron variant.
Genome position (GRCh38, 1-based): chr14:73,956,140, T>C. VCF-style: chr14-73956140-T-C. GRCh37 (hg19) VCF-style: chr14-74422843-T-C.
Other names: c.406+212T>C (NM_001425258.1, NM_182480.3); c.256+212T>C (NM_001425259.1, NM_001425261.1, NM_001425260.1); c.154+212T>C (NM_001425263.1); c.481+212T>C (NM_001425255.1, NM_001425256.1); c.72+212T>C (NM_001425265.1, NM_001425264.1); c.357+631T>C (NM_001425262.1); c.316+212T>C (NM_001425257.1); c.1201-553A>G (NM_001382258.1); and 1 more.
Identifiers: ClinVar variation 669472 (VCV000669472.4), dbSNP rs1972538, ClinGen allele CA13942823.
Genomic context (GRCh38, chr14:73,956,140, plus strand): 5'-TTTTGGAGGCTAAGGCGGGCGGATCACGAGGTCAGGAGATGGAGACCATCCTGGCTAACA[T>C]GGTGAAACCCTGTCTCTACTAAAAATACAAAGAAACAATTAGCCAGGCATGGTGGCGGGC-3'